The following is an entry in ClinVar:

ClinVar aggregate classification (germline): Benign. Review status: criteria provided, multiple submitters, no conflicts (2 of 4 stars). 2 submissions from 2 submitters: Benign (2). Last evaluated 2021-07-10.

Conditions:
Hereditary spastic paraplegia 49 (HSAN9). Also called: NEUROPATHY, HEREDITARY SENSORY AND AUTONOMIC, TYPE IX, WITH DEVELOPMENTAL DELAY; Spastic paraplegia 49, autosomal recessive; TECPR2-Related Hereditary Sensory and Autonomic Neuropathy with Intellectual Disability. Identifiers: Orphanet 320385, MedGen C5190860, MONDO:0014016, OMIM 615031.

Allele frequency attached by ClinVar (database versions not stated): 1000 Genomes Project 0.17851; 1000 Genomes Project 30x 0.17895; TOPMed 0.21418; gnomAD 0.21592 and 0.21964.
gnomAD v4.1: 33,352 of 152,020 alleles (22%); highest among the groups gnomAD compares: Middle Eastern, 31%; 4,332 homozygotes.

Submissions (2):

Genome-Nilou Lab
Classification: Benign for Hereditary spastic paraplegia 49. Last evaluated: 2021-07-10. Review status: criteria provided, single submitter. Criteria: ACMG Guidelines, 2015. Collection method: clinical testing. Allele origin: germline. Affected: no.

GeneDx
Classification: Benign. Last evaluated: 2018-06-14. Review status: criteria provided, single submitter. Criteria: GeneDx Variant Classification (06012015). Collection method: clinical testing. Allele origin: germline. Affected: yes.
Comment: This variant is considered likely benign or benign based on one or more of the following criteria: it is a conservative change, it occurs at a poorly conserved position in the protein, it is predicted to be benign by multiple in silico algorithms, and/or has population frequency not consistent with disease.

NM_014844.5(TECPR2):c.2934-230T>C

Gene: TECPR2 (tectonin beta-propeller repeat containing 2; plus strand). Cytogenetic location: 14q32.31.
Variant type: single nucleotide variant.
Coding change: c.2934-230T>C on transcript NM_014844.5 (MANE Select); 230 bases into the intron before coding-DNA position 2934, T replaced by C.
Molecular consequence: intron variant.
Genome position (GRCh38, 1-based): chr14:102,445,576, T>C. VCF-style: chr14-102445576-T-C. GRCh37 (hg19) VCF-style: chr14-102911913-T-C.
Other names: c.2934-230T>C (NM_001172631.3).
Identifiers: ClinVar variation 670743 (VCV000670743.4), dbSNP rs2273907, ClinGen allele CA13972166.